The following is an entry in ClinVar:

ClinVar aggregate classification (germline): Pathogenic (1 of 4 stars; one submission).

Conditions:
Bethlem myopathy 1A. Also called: MYOPATHY, BENIGN CONGENITAL, WITH CONTRACTURES; Bethlem Muscular Dystrophy; Bethlem myopathy 1. Identifiers: Orphanet 610, MedGen CN029274, MONDO:0024530, OMIM 158810.

Allele frequency attached by ClinVar (database versions not stated): ESP Exome Variant Server 0.00008.

Submission:

Labcorp Genetics (formerly Invitae), Labcorp
Classification: Pathogenic for Bethlem myopathy 1A. Last evaluated: 2022-01-05. Review status: criteria provided, single submitter. Criteria: Invitae Variant Classification Sherloc (09022015). Collection method: clinical testing. Allele origin: germline.
Comment: For these reasons, this variant has been classified as Pathogenic. This premature translational stop signal has been observed in individual(s) with Bethlem myopathy (PMID: 33146414). This variant is not present in population databases (gnomAD no frequency). This sequence change creates a premature translational stop signal (p.Gln503*) in the COL6A2 gene. It is expected to result in an absent or disrupted protein product. Loss-of-function variants in COL6A2 are known to be pathogenic (PMID: 19884007, 20976770).

Literature cited by the submitters: PubMed 33146414; PubMed 19884007; PubMed 20976770.

NM_001849.4(COL6A2):c.1507C>T (p.Gln503Ter)

Gene: COL6A2 (collagen type VI alpha 2 chain; plus strand). Cytogenetic location: 21q22.3.
Variant type: single nucleotide variant.
Coding change: c.1507C>T on transcript NM_001849.4 (MANE Select); coding-DNA position 1507, C replaced by T.
Protein change: p.Gln503Ter; replaces glutamine 503 with a stop codon.
Molecular consequence: nonsense.
Genome position (GRCh38, 1-based): chr21:46,121,604, C>T. VCF-style: chr21-46121604-C-T. GRCh37 (hg19) VCF-style: chr21-47541518-C-T.
Other names: c.1507C>T, p.Gln503Ter (NM_058174.3, NM_058175.3); short protein forms Q503*.
Identifiers: ClinVar variation 2075694 (VCV002075694.4), dbSNP rs148208114, ClinGen allele CA321967473.